The following is an entry in ClinVar:

NM_000188.3(HK1):c.2119A>G (p.Met707Val)

Gene: HK1 (hexokinase 1; plus strand). Cytogenetic location: 10q22.1.
Variant type: single nucleotide variant.
Coding change: c.2119A>G on transcript NM_000188.3 (MANE Select); coding-DNA position 2119, A replaced by G.
Protein change: p.Met707Val; replaces methionine 707 with valine.
Molecular consequence: missense variant.
Genome position (GRCh38, 1-based): chr10:69,392,208, A>G. VCF-style: chr10-69392208-A-G. GRCh37 (hg19) VCF-style: chr10-71151964-A-G.
Other names: c.2131A>G, p.Met711Val (NM_001322364.2, NM_001358263.1, NM_033497.3 and 1 more transcripts); c.2224A>G, p.Met742Val (NM_001322365.2); c.2035A>G, p.Met679Val (NM_001322366.1); c.2023A>G, p.Met675Val (NM_001322367.1); c.2116A>G, p.Met706Val (NM_033496.3); c.2083A>G, p.Met695Val (NM_033500.2); short protein forms M675V, M679V, M742V, M711V, M695V, M706V, M707V.
Identifiers: ClinVar variation 1490354 (VCV001490354.6), dbSNP rs767453040, ClinGen allele CA5532781.

ClinVar aggregate classification (germline): Uncertain significance (1 of 4 stars; one submission).

Allele frequency attached by ClinVar (database versions not stated): gnomAD exomes below 0.00001; ExAC 0.00001.
gnomAD v4.1: 5 of 1,614,192 alleles (0.00031%); highest among the groups gnomAD compares: East Asian, 0.0022%; no homozygotes.

Submission:

Labcorp Genetics (formerly Invitae), Labcorp
Classification: Uncertain significance. Last evaluated: 2024-10-10. Review status: criteria provided, single submitter. Criteria: Invitae Variant Classification Sherloc (09022015). Collection method: clinical testing. Allele origin: germline.
Comment: This sequence change replaces methionine, which is neutral and non-polar, with valine, which is neutral and non-polar, at codon 707 of the HK1 protein (p.Met707Val). This variant is present in population databases (rs767453040, gnomAD 0.003%). This variant has not been reported in the literature in individuals affected with HK1-related conditions. ClinVar contains an entry for this variant (Variation ID: 1490354). Invitae Evidence Modeling of protein sequence and biophysical properties (such as structural, functional, and spatial information, amino acid conservation, physicochemical variation, residue mobility, and thermodynamic stability) indicates that this missense variant is not expected to disrupt HK1 protein function with a negative predictive value of 80%. In summary, the available evidence is currently insufficient to determine the role of this variant in disease. Therefore, it has been classified as a Variant of Uncertain Significance.